The following is an entry in ClinVar:

ClinVar aggregate classification (germline): Uncertain significance (1 of 4 stars; one submission).

Allele frequency attached by ClinVar (database versions not stated): ESP Exome Variant Server 0.00008.
gnomAD v4.1: 19 of 1,614,014 alleles (0.0012%); highest among the groups gnomAD compares: Middle Eastern, 0.016%; no homozygotes.

Submission:

Labcorp Genetics (formerly Invitae), Labcorp
Classification: Uncertain significance. Last evaluated: 2024-01-02. Review status: criteria provided, single submitter. Criteria: Invitae Variant Classification Sherloc (09022015). Collection method: clinical testing. Allele origin: germline.
Comment: This sequence change replaces histidine, which is basic and polar, with glutamine, which is neutral and polar, at codon 207 of the LCT protein (p.His207Gln). This variant is present in population databases (rs369174474, gnomAD 0.003%). This variant has not been reported in the literature in individuals affected with LCT-related conditions. ClinVar contains an entry for this variant (Variation ID: 1345433). Algorithms developed to predict the effect of missense changes on protein structure and function output the following: SIFT: "Not Available"; PolyPhen-2: "Benign"; Align-GVGD: "Not Available". The glutamine amino acid residue is found in multiple mammalian species, which suggests that this missense change does not adversely affect protein function. In summary, the available evidence is currently insufficient to determine the role of this variant in disease. Therefore, it has been classified as a Variant of Uncertain Significance.

NM_002299.4(LCT):c.621C>A (p.His207Gln)

Gene: LCT (lactase; minus strand). Cytogenetic location: 2q21.3.
Variant type: single nucleotide variant.
Coding change: c.621C>A on transcript NM_002299.4 (MANE Select); coding-DNA position 621, C replaced by A.
Protein change: p.His207Gln; replaces histidine 207 with glutamine.
Molecular consequence: missense variant.
Genome position (GRCh38, 1-based): chr2:135,836,549, G>T on the plus strand (C>A on the coding strand, the complement: LCT is on the minus strand). VCF-style: chr2-135836549-G-T. GRCh37 (hg19) VCF-style: chr2-136594119-G-T.
Other names: short protein forms H207Q.
Identifiers: ClinVar variation 1345433 (VCV001345433.8), dbSNP rs369174474, ClinGen allele CA1888607.